The following is an entry in ClinVar:

NM_000051.4(ATM):c.6096-7C>T

Genes: ATM (ATM serine/threonine kinase; plus strand), C11orf65 (chromosome 11 open reading frame 65; minus strand). Cytogenetic location: 11q22.3.
Variant type: single nucleotide variant.
Coding change: c.6096-7C>T on transcript NM_000051.4 (MANE Select); 7 bases into the intron before coding-DNA position 6096, C replaced by T.
Molecular consequence: intron variant.
Genome position (GRCh38, 1-based): chr11:108,316,004, C>T. VCF-style: chr11-108316004-C-T. GRCh37 (hg19) VCF-style: chr11-108186731-C-T.
Other names: c.6096-7C>T (NM_001351834.2); c.641-6933G>A (NM_001330368.2); c.*39-6933G>A (NM_001351110.2).
Identifiers: ClinVar variation 2863636 (VCV002863636.4), dbSNP rs1173338615, ClinGen allele CA671420857.

ClinVar aggregate classification (germline): Likely benign. Review status: criteria provided, multiple submitters, no conflicts (2 of 4 stars). 2 submissions from 2 submitters: Likely benign (2). Last evaluated 2024-06-03.

Conditions:
Ataxia-telangiectasia syndrome (AT). Also called: ATAXIA-TELANGIECTASIA, COMPLEMENTATION GROUP A; ATAXIA-TELANGIECTASIA, FRESNO VARIANT; Ataxia-telangiectasia; Ataxia-telangiectasia, complementation group E; LOUIS-BAR SYNDROME; Cerebello-oculocutaneous telangiectasia. Identifiers: Orphanet 100, MedGen C0004135, MONDO:0008840, OMIM 208900.
Familial cancer of breast. Also called: BREAST CANCER, FAMILIAL; Hereditary breast cancer; hereditary breast carcinoma. Identifiers: Orphanet 227535, MedGen C0346153, MONDO:0016419, OMIM 114480. Disease mechanism: loss of function.

Allele frequency attached by ClinVar (database versions not stated): TOPMed 0.00001; gnomAD 0.00001.
gnomAD v4.1: 1 of 1,613,666 alleles (0.000062%); highest among the groups gnomAD compares: African/African-American, 0.0013%; no homozygotes.

Submissions (2):

Myriad Genetics, Inc.
Classification: Likely benign for Familial cancer of breast. Last evaluated: 2024-06-03. Review status: criteria provided, single submitter. Criteria: Myriad Autosomal Dominant, Autosomal Recessive and X-Linked Classification Criteria (2023). Collection method: clinical testing. Allele origin: unknown.
Comment: This variant is considered likely benign. This variant is intronic and is not expected to impact mRNA splicing.

Labcorp Genetics (formerly Invitae), Labcorp
Classification: Likely benign for Ataxia-telangiectasia syndrome. Last evaluated: 2024-04-08. Review status: criteria provided, single submitter. Criteria: Invitae Variant Classification Sherloc (09022015). Collection method: clinical testing. Allele origin: germline.